The following is an entry in ClinVar:

NM_013382.7(POMT2):c.824_825del (p.Val275fs)

Gene: POMT2 (protein O-mannosyltransferase 2; minus strand). Cytogenetic location: 14q24.3.
Variant type: Microsatellite.
Coding change: c.824_825del on transcript NM_013382.7 (MANE Select); coding-DNA positions 824 to 825, 2 bases deleted (TG; older notation c.824_825delTG).
Protein change: p.Val275fs; shifts the reading frame from valine 275.
Molecular consequence: frameshift variant.
Genome position (GRCh38, 1-based): chr14:77,299,553-77,299,554, CA deleted on the plus strand (TG on the coding strand, the reverse complement: POMT2 is on the minus strand); deleting any 2 consecutive bases within chr14:77,299,553-77,299,556 gives the same sequence; the c. name uses the placement nearest the transcript's 3' end. VCF-style (leftmost placement, unchanged base first): chr14-77299552-CCA-C. GRCh37 (hg19) VCF-style: chr14-77765895-CCA-C.
Other names: short protein forms V275fs.
Identifiers: ClinVar variation 2942496 (VCV002942496.4), dbSNP rs2503267774, ClinGen allele CA2625848151.

ClinVar aggregate classification (germline): Pathogenic/Likely pathogenic. Review status: criteria provided, multiple submitters, no conflicts (2 of 4 stars). 2 submissions from 2 submitters: Pathogenic (1); Likely pathogenic (1). Last evaluated 2022-12-20.

Conditions:
Muscular dystrophy-dystroglycanopathy (congenital with impaired intellectual development), type B, 2. Also called: MUSCULAR DYSTROPHY, CONGENITAL, POMT2-RELATED; Muscular dystrophy-dystroglycanopathy (congenital with intellectual disability), type B2. Identifiers: MedGen C3150416, MONDO:0013160, OMIM 613156.
Muscular dystrophy-dystroglycanopathy (congenital with brain and eye anomalies), type A2. Also called: MUSCULAR DYSTROPHY-DYSTROGLYCANOPATHY (CONGENITAL WITH BRAIN AND EYE ANOMALIES), TYPE A, 2; WALKER-WARBURG SYNDROME OR MUSCLE-EYE-BRAIN DISEASE, POMT2-RELATED. Identifiers: Orphanet 588, Orphanet 899, MedGen C3150411, MONDO:0013154, OMIM 613150.
Autosomal recessive limb-girdle muscular dystrophy type 2N. Also called: MUSCULAR DYSTROPHY-DYSTROGLYCANOPATHY, LIMB-GIRDLE, POMT2-RELATED; Muscular dystrophy-dystroglycanopathy (limb-girdle), type C, 2. Identifiers: Orphanet 206559, MedGen C3150418, MONDO:0013162, OMIM 613158.
POMT2-related disorder. Also called: POMT2-related condition.

Submissions (2):

Labcorp Genetics (formerly Invitae), Labcorp
Classification: Pathogenic for Muscular dystrophy-dystroglycanopathy (congenital with impaired intellectual development), type B, 2; Muscular dystrophy-dystroglycanopathy (congenital with brain and eye anomalies), type A2; Autosomal recessive limb-girdle muscular dystrophy type 2N. Last evaluated: 2022-12-20. Review status: criteria provided, single submitter. Criteria: Invitae Variant Classification Sherloc (09022015). Collection method: clinical testing. Allele origin: germline.
Comment: For these reasons, this variant has been classified as Pathogenic. This variant has not been reported in the literature in individuals affected with POMT2-related conditions. This variant is not present in population databases (gnomAD no frequency). This sequence change creates a premature translational stop signal (p.Val275Glyfs*32) in the POMT2 gene. It is expected to result in an absent or disrupted protein product. Loss-of-function variants in POMT2 are known to be pathogenic (PMID: 15894594).

Blueprint Genetics
Classification: Likely pathogenic for POMT2-related disorders. Last evaluated: 2020-02-24. Review status: criteria provided, single submitter. Criteria: ACMG Guidelines, 2015. Collection method: clinical testing. Allele origin: germline. Affected: yes. Observed: 1 variant allele.

Literature cited by the submitters: PubMed 15894594 (cited by Labcorp Genetics (formerly Invitae), Labcorp).